The following is an entry in ClinVar:

ClinVar aggregate classification (germline): Uncertain significance (1 of 4 stars; one submission).

Conditions:
Polycystic kidney disease, adult type (PKD1). Also called: Polycystic Kidney, Autosomal Dominant; POLYCYSTIC KIDNEY DISEASE 1 WITH OR WITHOUT POLYCYSTIC LIVER DISEASE; Polycystic Kidney Disease 1, Autosomal Dominant; Polycystic kidney disease 1; Polycystic kidney disease 1, severe; POLYCYSTIC KIDNEY DISEASE, ADULT, TYPE I. Identifiers: MedGen C3149841, MONDO:0008263, OMIM 173900.

Submission:

MVZ Medizinische Genetik Mainz
Classification: Uncertain significance for Polycystic kidney disease, adult type. Last evaluated: 2022-10-26. Review status: criteria provided, single submitter. Criteria: UK Practice Guidelines For Variant Classification V4 01 2020. Collection method: clinical testing. Allele origin: germline. Inheritance: Autosomal dominant inheritance. Affected: yes. Observed: 1 variant allele.
Comment: ACMG Criteria: PM2_SUP, PP3, PP4 (ACMG Version 4)

NM_001009944.3(PKD1):c.5615T>G (p.Val1872Gly)

Gene: PKD1 (polycystin 1, transient receptor potential channel interacting; minus strand). Cytogenetic location: 16p13.3.
Variant type: single nucleotide variant.
Coding change: c.5615T>G on transcript NM_001009944.3 (MANE Select); coding-DNA position 5615, T replaced by G.
Protein change: p.Val1872Gly; replaces valine 1872 with glycine.
Molecular consequence: missense variant.
Genome position (GRCh38, 1-based): chr16:2,109,552, A>C on the plus strand (T>G on the coding strand, the complement: PKD1 is on the minus strand). VCF-style: chr16-2109552-A-C. GRCh37 (hg19) VCF-style: chr16-2159553-A-C.
Other names: c.5615T>G, p.Val1872Gly (NM_000296.4); short protein forms V1872G.
Identifiers: ClinVar variation 3066360 (VCV003066360.1), dbSNP rs2544811105, ClinGen allele CA394376161.